The following is an entry in ClinVar:

NM_002180.3(IGHMBP2):c.2438C>A (p.Ala813Glu)

Gene: IGHMBP2 (immunoglobulin mu DNA binding protein 2; plus strand). Cytogenetic location: 11q13.3.
Variant type: single nucleotide variant.
Coding change: c.2438C>A on transcript NM_002180.3 (MANE Select); coding-DNA position 2438, C replaced by A.
Protein change: p.Ala813Glu; replaces alanine 813 with glutamic acid.
Molecular consequence: missense variant.
Genome position (GRCh38, 1-based): chr11:68,936,918, C>A. VCF-style: chr11-68936918-C-A. GRCh37 (hg19) VCF-style: chr11-68704386-C-A.
Other names: short protein forms A813E.
Identifiers: ClinVar variation 1398772 (VCV001398772.7), dbSNP rs779854653, ClinGen allele CA6153911.

ClinVar aggregate classification (germline): Uncertain significance (1 of 4 stars; one submission).

Conditions:
Charcot-Marie-Tooth disease axonal type 2S. Also called: CHARCOT-MARIE-TOOTH NEUROPATHY, TYPE 2S; CHARCOT-MARIE-TOOTH DISEASE, AXONAL, AUTOSOMAL RECESSIVE, TYPE 2S. Identifiers: Orphanet 443073, MedGen C4015349, MONDO:0014511, OMIM 616155.
Autosomal recessive distal spinal muscular atrophy 1. Also called: SEVERE INFANTILE AXONAL NEUROPATHY WITH RESPIRATORY FAILURE; SPINAL MUSCULAR ATROPHY, DIAPHRAGMATIC; NEURONOPATHY, DISTAL HEREDITARY MOTOR, HARDING TYPE VI; NEUROPATHY, DISTAL HEREDITARY MOTOR, AUTOSOMAL RECESSIVE 1; HMN VI; NEURONOPATHY, SEVERE INFANTILE AXONAL, WITH RESPIRATORY FAILURE. Identifiers: Orphanet 98920, MedGen C1858517, MONDO:0011436, OMIM 604320.

gnomAD v4.1: 2 of 1,604,856 alleles (0.00012%); highest among the groups gnomAD compares: Non-Finnish European, 0.00017%; no homozygotes.

Submission:

Labcorp Genetics (formerly Invitae), Labcorp
Classification: Uncertain significance for Autosomal recessive distal spinal muscular atrophy 1; Charcot-Marie-Tooth disease axonal type 2S. Last evaluated: 2021-01-07. Review status: criteria provided, single submitter. Criteria: Invitae Variant Classification Sherloc (09022015). Collection method: clinical testing. Allele origin: germline.
Comment: In summary, the available evidence is currently insufficient to determine the role of this variant in disease. Therefore, it has been classified as a Variant of Uncertain Significance. Advanced modeling of protein sequence and biophysical properties (such as structural, functional, and spatial information, amino acid conservation, physicochemical variation, residue mobility, and thermodynamic stability) performed at Invitae indicates that this missense variant is not expected to disrupt IGHMBP2 protein function. This variant has not been reported in the literature in individuals with IGHMBP2-related conditions. This variant is present in population databases (rs779854653, ExAC 0.002%). This sequence change replaces alanine with glutamic acid at codon 813 of the IGHMBP2 protein (p.Ala813Glu). The alanine residue is weakly conserved and there is a moderate physicochemical difference between alanine and glutamic acid.